The following is an entry in ClinVar:

NM_005732.4(RAD50):c.475C>T (p.Gln159Ter)

Gene: RAD50 (RAD50 double strand break repair protein; plus strand). Cytogenetic location: 5q31.1.
Variant type: single nucleotide variant.
Coding change: c.475C>T on transcript NM_005732.4 (MANE Select); coding-DNA position 475, C replaced by T.
Protein change: p.Gln159Ter; replaces glutamine 159 with a stop codon.
Molecular consequence: nonsense.
Genome position (GRCh38, 1-based): chr5:132,579,426, C>T. VCF-style: chr5-132579426-C-T. GRCh37 (hg19) VCF-style: chr5-131915118-C-T.
Other names: short protein forms Q159*.
Identifiers: ClinVar variation 2678163 (VCV002678163.4), dbSNP rs2479615997, ClinGen allele CA360934445.

ClinVar aggregate classification (germline): Pathogenic/Likely pathogenic. Review status: criteria provided, multiple submitters, no conflicts (2 of 4 stars). 2 submissions from 2 submitters: Pathogenic (1); Likely pathogenic (1). Last evaluated 2023-08-20.

Conditions:
Hereditary cancer-predisposing syndrome. Also called: Neoplastic Syndromes, Hereditary; Tumor predisposition; Hereditary Cancer Syndrome; Hereditary neoplastic syndrome. Identifiers: Orphanet 140162, MedGen C0027672, MeSH D009386, MONDO:0015356.
Nijmegen breakage syndrome-like disorder (NBSLD). Also called: MICROCEPHALY AND SPONTANEOUS CHROMOSOME INSTABILITY WITHOUT IMMUNODEFICIENCY; NBS-LIKE DISORDER; RAD50 DEFICIENCY. Identifiers: Orphanet 240760, MedGen C2751318, MONDO:0013118, OMIM 613078.

Allele frequency attached by ClinVar (database versions not stated): gnomAD exomes below 0.00001.
gnomAD v4.1: 1 of 1,613,756 alleles (0.000062%); highest among the groups gnomAD compares: Non-Finnish European, 0.000085%; no homozygotes.

Submissions (2):

Labcorp Genetics (formerly Invitae), Labcorp
Classification: Pathogenic for Hereditary cancer-predisposing syndrome. Last evaluated: 2023-08-20. Review status: criteria provided, single submitter. Criteria: Invitae Variant Classification Sherloc (09022015). Collection method: clinical testing. Allele origin: germline.
Comment: For these reasons, this variant has been classified as Pathogenic. This variant has not been reported in the literature in individuals affected with RAD50-related conditions. This variant is not present in population databases (gnomAD no frequency). This sequence change creates a premature translational stop signal (p.Gln159*) in the RAD50 gene. It is expected to result in an absent or disrupted protein product. Loss-of-function variants in RAD50 are known to be pathogenic (PMID: 19409520).

Baylor Genetics
Classification: Likely pathogenic for Nijmegen breakage syndrome-like disorder. Last evaluated: 2021-05-25. Review status: criteria provided, single submitter. Criteria: ACMG Guidelines, 2015. Collection method: clinical testing. Allele origin: unknown.

Literature cited by the submitters: PubMed 19409520 (cited by Labcorp Genetics (formerly Invitae), Labcorp).